The following is an entry in ClinVar:

NM_001080449.3(DNA2):c.1763+12T>C

Gene: DNA2 (DNA replication helicase/nuclease 2; minus strand). Cytogenetic location: 10q21.3.
Variant type: single nucleotide variant.
Coding change: c.1763+12T>C on transcript NM_001080449.3 (MANE Select); 12 bases into the intron after coding-DNA position 1763, T replaced by C.
Molecular consequence: intron variant.
Genome position (GRCh38, 1-based): chr10:68,432,382, A>G on the plus strand (T>C on the coding strand, the complement: DNA2 is on the minus strand). VCF-style: chr10-68432382-A-G. GRCh37 (hg19) VCF-style: chr10-70192139-A-G.
Identifiers: ClinVar variation 1804708 (VCV001804708.1), dbSNP rs1344764783, ClinGen allele CA667788819.
Genomic context (GRCh38, chr10:68,432,382, plus strand): 5'-AGTGAAAAAGCACTTTTAGTAATATTCCTTAGAAAAGTGGAGTGAAATTCAAATTTGCTC[A>G]TTGTTACAAACCTGACAAACGTGTTTTCCATCAATTTGGAAAGATTTCCTAATGGGGTAT-3'

ClinVar aggregate classification (germline): Uncertain significance (1 of 4 stars; one submission).

Allele frequency attached by ClinVar (database versions not stated): gnomAD exomes below 0.00001; TOPMed 0.00001.
gnomAD v4.1: 3 of 1,576,260 alleles (0.00019%); highest among the groups gnomAD compares: African/African-American, 0.0041%; no homozygotes.

Submission:

Women's Health and Genetics/Laboratory Corporation of America, LabCorp
Classification: Uncertain significance. Last evaluated: 2022-11-01. Review status: criteria provided, single submitter. Criteria: LabCorp Variant Classification Summary - May 2015. Collection method: clinical testing. Allele origin: germline.
Comment: Variant summary: DNA2 c.1763+12T>C alters a non-conserved nucleotide located close to a canonical splice site and therefore could affect mRNA splicing, leading to a significantly altered protein sequence. 4/4 computational tools predict no significant impact on normal splicing. However, these predictions have yet to be confirmed by functional studies. The variant was absent in 235802 control chromosomes (gnomAD). The available data on variant occurrences in the general population are insufficient to allow any conclusion about variant significance. To our knowledge, no occurrence of c.1763+12T>C in individuals affected with Progressive External Ophthalmoplegia With Mitochondrial DNA Deletions, Autosomal Dominant 6 and no experimental evidence demonstrating its impact on protein function have been reported. No clinical diagnostic laboratories have submitted clinical-significance assessments for this variant to ClinVar after 2014. Based on the evidence outlined above, the variant was classified as uncertain significance.